The following is an entry in ClinVar:

ClinVar aggregate classification (germline): Conflicting classifications of pathogenicity. Review status: criteria provided, conflicting classifications (1 of 4 stars). 3 submissions from 3 submitters: Uncertain significance (1); Benign (1). 1 of the submissions does not count toward it. Last evaluated 2019-12-31.

Conditions:
Histidinemia. Also called: Hyperhistidinemia; Deficiency of histidine ammonia-lyase; HAL DEFICIENCY; HIS DEFICIENCY; HISTIDASE DEFICIENCY; HISTIDINE AMMONIA-LYASE DEFICIENCY. Identifiers: Orphanet 2157, MedGen C0220992, MONDO:0009345, OMIM 235800, HP:0010906.
HAL-related disorder. Also called: HAL-related condition.

Allele frequency attached by ClinVar (database versions not stated): gnomAD exomes 0.00336 and 0.00390; ExAC 0.00350; 1000 Genomes Project 30x 0.00234; 1000 Genomes Project 0.00240; ESP Exome Variant Server 0.00277; TOPMed 0.00305; gnomAD 0.00310 and 0.00314.
gnomAD v4.1: 6,138 of 1,610,174 alleles (0.38%); highest among the groups gnomAD compares: Non-Finnish European, 0.46%; 20 homozygotes.

Submissions (3):

Labcorp Genetics (formerly Invitae), Labcorp
Classification: Benign. Last evaluated: 2019-12-31. Review status: criteria provided, single submitter. Criteria: Invitae Variant Classification Sherloc (09022015). Collection method: clinical testing. Allele origin: germline.

Illumina Laboratory Services, Illumina
Classification: Uncertain significance for Histidinemia. Last evaluated: 2018-01-13. Review status: criteria provided, single submitter. Criteria: ICSL Variant Classification Criteria 13 December 2019. Collection method: clinical testing. Allele origin: germline.

PreventionGenetics, part of Exact Sciences
Classification: Likely benign for HAL-related condition. Last evaluated: 2019-09-05. Review status: no assertion criteria provided. Collection method: clinical testing. Allele origin: germline. Not counted in ClinVar's aggregate classification.
Comment: This variant is classified as likely benign based on ACMG/AMP sequence variant interpretation guidelines (Richards et al. 2015 PMID: 25741868, with internal and published modifications).

NM_002108.4(HAL):c.715+9A>G

Gene: HAL (histidine ammonia-lyase; minus strand). Cytogenetic location: 12q23.1.
Variant type: single nucleotide variant.
Coding change: c.715+9A>G on transcript NM_002108.4 (MANE Select); 9 bases into the intron after coding-DNA position 715, A replaced by G.
Molecular consequence: intron variant.
Genome position (GRCh38, 1-based): chr12:95,992,671, T>C on the plus strand (A>G on the coding strand, the complement: HAL is on the minus strand). VCF-style: chr12-95992671-T-C. GRCh37 (hg19) VCF-style: chr12-96386449-T-C.
Other names: c.91+9A>G (NM_001258333.2); c.715+9A>G (NM_001258334.2).
Identifiers: ClinVar variation 779267 (VCV000779267.10), dbSNP rs151109430, ClinGen allele CA6727879.